The following is an entry in ClinVar:

ClinVar aggregate classification (germline): Uncertain significance (1 of 4 stars; one submission).

Submission:

Ambry Genetics
Classification: Uncertain significance. Last evaluated: 2023-09-01. Review status: criteria provided, single submitter. Criteria: Ambry Variant Classification Scheme 2023. Collection method: clinical testing. Allele origin: germline.
Comment: The p.Q430E variant (also known as c.1288C>G), located in coding exon 12 of the RAD54L gene, results from a C to G substitution at nucleotide position 1288. The glutamine at codon 430 is replaced by glutamic acid, an amino acid with highly similar properties. This amino acid position is conserved. In addition, this alteration is predicted to be tolerated by in silico analysis. Since supporting evidence is limited at this time, the clinical significance of this alteration remains unclear.

NM_003579.4(RAD54L):c.1288C>G (p.Gln430Glu)

Gene: RAD54L (RAD54 like; plus strand). Cytogenetic location: 1p34.1.
Variant type: single nucleotide variant.
Coding change: c.1288C>G on transcript NM_003579.4 (MANE Select); coding-DNA position 1288, C replaced by G.
Protein change: p.Gln430Glu; replaces glutamine 430 with glutamic acid.
Molecular consequence: missense variant.
Genome position (GRCh38, 1-based): chr1:46,272,715, C>G. VCF-style: chr1-46272715-C-G. GRCh37 (hg19) VCF-style: chr1-46738387-C-G.
Other names: c.1288C>G, p.Gln430Glu (NM_001142548.2); c.748C>G, p.Gln250Glu (NM_001370766.1); short protein forms Q250E, Q430E.
Identifiers: ClinVar variation 2595152 (VCV002595152.2), dbSNP rs2148300510, ClinGen allele CA340179332.
Genomic context (GRCh38, chr1:46,272,715, plus strand): 5'-CCAGCTGCCTTTTTTAGGCTGACACCCCTTCAGACTGAGTTATACAAGAGGTTTCTGAGA[C>G]AAGCCAAACCGGCAGAAGAATTGCTTGAGGGCAAGATGAGTGTGTCTTCCCTTTCTTCCA-3'
Protein context (NP_003570.2, residues 420-440): QTELYKRFLR[Gln430Glu]AKPAEELLEG